The following is an entry in ClinVar:

ClinVar aggregate classification (germline): Uncertain significance. Review status: criteria provided, multiple submitters, no conflicts (2 of 4 stars). 2 submissions from 2 submitters: Uncertain significance (2). Last evaluated 2025-07-25.

Conditions:
Baraitser-Winter syndrome 1 (BRWS1). Also called: BARAITSER-WINTER SYNDROME 1, ATYPICAL; PACHYGYRIA, MENTAL RETARDATION, EPILEPSY, AND CHARACTERISTIC FACIES; MENTAL RETARDATION WITH EPILEPSY AND CHARACTERISTIC FACIES; Cerebrofrontofacial syndrome. Identifiers: Orphanet 2649, Orphanet 2995, MedGen C1855722, MONDO:0009470, OMIM 243310.

Submissions (2):

Labcorp Genetics (formerly Invitae), Labcorp
Classification: Uncertain significance for Baraitser-Winter syndrome 1. Last evaluated: 2025-07-25. Review status: criteria provided, single submitter. Criteria: Invitae Variant Classification Sherloc (09022015). Collection method: clinical testing. Allele origin: germline.
Comment: This sequence change replaces histidine, which is basic and polar, with tyrosine, which is neutral and polar, at codon 371 of the ACTB protein (p.His371Tyr). This variant is not present in population databases (gnomAD no frequency). This variant has not been reported in the literature in individuals affected with ACTB-related conditions. ClinVar contains an entry for this variant (Variation ID: 2438838). Invitae Evidence Modeling of protein sequence and biophysical properties (such as structural, functional, and spatial information, amino acid conservation, physicochemical variation, residue mobility, and thermodynamic stability) indicates that this missense variant is not expected to disrupt ACTB protein function with a negative predictive value of 80%. In summary, the available evidence is currently insufficient to determine the role of this variant in disease. Therefore, it has been classified as a Variant of Uncertain Significance.

Revvity Omics, Revvity
Classification: Uncertain significance. Last evaluated: 2019-04-17. Review status: criteria provided, single submitter. Criteria: ACMG Guidelines, 2015. Collection method: clinical testing. Allele origin: germline.

NM_001101.5(ACTB):c.1111C>T (p.His371Tyr)

Gene: ACTB (actin beta; minus strand). Cytogenetic location: 7p22.1.
Variant type: single nucleotide variant.
Coding change: c.1111C>T on transcript NM_001101.5 (MANE Select); coding-DNA position 1111, C replaced by T.
Protein change: p.His371Tyr; replaces histidine 371 with tyrosine.
Molecular consequence: missense variant.
Genome position (GRCh38, 1-based): chr7:5,527,765, G>A on the plus strand (C>T on the coding strand, the complement: ACTB is on the minus strand). VCF-style: chr7-5527765-G-A. GRCh37 (hg19) VCF-style: chr7-5567396-G-A.
Other names: short protein forms H371Y.
Identifiers: ClinVar variation 2438838 (VCV002438838.4), dbSNP rs2533845740, ClinGen allele CA366698923.